The following is an entry in ClinVar:

NM_000492.4(CFTR):c.4272C>T (p.Tyr1424=)

Genes: CFTR (CF transmembrane conductance regulator; plus strand), LOC111674477 (CFTR intron 23 enhancer; plus strand). Cytogenetic location: 7q31.2.
Variant type: single nucleotide variant.
Coding change: c.4272C>T on transcript NM_000492.4 (MANE Select); coding-DNA position 4272, C replaced by T.
Protein change: p.Tyr1424=; no amino-acid change (tyrosine 1424 retained).
Molecular consequence: synonymous variant.
Genome position (GRCh38, 1-based): chr7:117,666,937, C>T. VCF-style: chr7-117666937-C-T. GRCh37 (hg19) VCF-style: chr7-117306991-C-T.
Other names: p.Tyr1424=.
Identifiers: ClinVar variation 93156 (VCV000093156.89), dbSNP rs1800135, ClinGen allele CA146704.
Genomic context (GRCh38, chr7:117,666,937, plus strand): 5'-TCCCAGATCTCACTAACAGCCATTTCCCTAGGTCATAGAAGAGAACAAAGTGCGGCAGTA[C>T]GATTCCATCCAGAAACTGCTGAACGAGAGGAGCCTCTTCCGGCAAGCCATCAGCCCCTCC-3'
Protein context (NP_000483.3, residues 1414-1434): LVIEENKVRQ[Tyr1424=]DSIQKLLNER

ClinVar aggregate classification (germline): Conflicting classifications of pathogenicity. Review status: criteria provided, conflicting classifications (1 of 4 stars). 22 submissions from 21 submitters: Uncertain significance (1); Benign (12); Likely benign (3). 6 of the submissions do not count toward it. Last evaluated 2026-09-01.

Conditions:
CFTR-related disorder (CFTR-RD). Also called: CFTR-related condition; CFTR-related disorders. Identifiers: MedGen C5924204, MONDO:7770004.
Hereditary pancreatitis (PCTT). Also called: Hereditary chronic pancreatitis; PRSS1-Related Hereditary Pancreatitis. Identifiers: Orphanet 676, MedGen C0238339, MONDO:0008185, OMIM 167800.
Cystic fibrosis (CF). Also called: MUCOVISCIDOSIS. Identifiers: Orphanet 586, MedGen C0010674, MONDO:0009061, OMIM 219700. Disease mechanism: loss of function.

Allele frequency attached by ClinVar (database versions not stated): 1000 Genomes Project 30x 0.00375; 1000 Genomes Project 0.00419; ESP Exome Variant Server 0.00515; ExAC 0.00633; gnomAD 0.00634 and 0.00660; gnomAD exomes 0.00667 and 0.00762; TOPMed 0.00736.
gnomAD v4.1: 12,148 of 1,614,018 alleles (0.75%); highest among the groups gnomAD compares: Non-Finnish European, 0.83%; 67 homozygotes.

Submissions (22):

CeGaT Center for Human Genetics Tuebingen
Classification: Likely benign. Last evaluated: 2026-09-01. Review status: criteria provided, single submitter. Criteria: CeGaT Center For Human Genetics Tuebingen Variant Classification Criteria Version 2. Collection method: clinical testing. Allele origin: germline. Affected: yes. Observed: 35 variant alleles.
Comment: CFTR: BP4, BP7, BS2

Labcorp Genetics (formerly Invitae), Labcorp
Classification: Benign for Cystic fibrosis. Last evaluated: 2026-02-04. Review status: criteria provided, single submitter. Criteria: Invitae Variant Classification Sherloc (09022015). Collection method: clinical testing. Allele origin: germline.

ARUP Laboratories, Molecular Genetics and Genomics, ARUP Laboratories
Classification: Benign. Last evaluated: 2025-07-23. Review status: criteria provided, single submitter. Criteria: ARUP Molecular Germline Variant Investigation Process 2024. Collection method: clinical testing. Allele origin: germline.

Blueprint Genetics
Classification: Likely benign. Last evaluated: 2024-11-27. Review status: criteria provided, single submitter. Criteria: ACMG Guidelines, 2015. Collection method: clinical testing. Allele origin: germline.

Mayo Clinic Laboratories, Mayo Clinic
Classification: Benign. Last evaluated: 2022-06-07. Review status: criteria provided, single submitter. Criteria: ACMG Guidelines, 2015. Collection method: clinical testing. Allele origin: germline. Observed: 94 variant alleles.
Comment: BS1, BS2, BP4, BP7

Genome Diagnostics Laboratory, The Hospital for Sick Children
Classification: Likely benign for Cystic fibrosis. Last evaluated: 2021-11-09. Review status: criteria provided, single submitter. Criteria: ACMG Guidelines, 2015. Collection method: clinical testing. Allele origin: germline.

Sema4
Classification: Benign for Hereditary pancreatitis. Last evaluated: 2021-05-20. Review status: criteria provided, single submitter. Criteria: Sema4 Curation Guidelines. Collection method: curation. Allele origin: germline.

Pars Genome Lab
Classification: Benign for Cystic fibrosis. Last evaluated: 2021-05-18. Review status: criteria provided, single submitter. Criteria: ACMG Guidelines, 2015. Collection method: clinical testing. Allele origin: germline. Affected: no.

Johns Hopkins Genomics, Johns Hopkins University
Classification: Benign for Cystic fibrosis. Last evaluated: 2019-10-30. Review status: criteria provided, single submitter. Criteria: ACMG Guidelines, 2015. Collection method: clinical testing. Allele origin: germline.

Quest Diagnostics Nichols Institute San Juan Capistrano
Classification: Benign. Last evaluated: 2019-08-27. Review status: criteria provided, single submitter. Criteria: Quest Diagnostics criteria. Collection method: clinical testing. Allele origin: unknown.

GeneDx
Classification: Benign. Last evaluated: 2019-05-30. Review status: criteria provided, single submitter. Criteria: GeneDx Variant Classification Process June 2021. Collection method: clinical testing. Allele origin: germline. Affected: yes.
Comment: This variant is associated with the following publications: (PMID: 25797027, 28040058)

CFTR-France
Classification: Benign for cystic fibrosis. Last evaluated: 2018-01-29. Review status: criteria provided, single submitter. Criteria: Claustres M et al. (Hum Mutat 2017). Collection method: curation. Allele origin: germline. Affected: yes and no.
Comment: the variant does not result in CFTR-RD neither

Illumina Laboratory Services, Illumina
Classification: Uncertain significance for CFTR-Related Disorders. Last evaluated: 2018-01-12. Review status: criteria provided, single submitter. Criteria: ICSL Variant Classification Criteria 13 December 2019. Collection method: clinical testing. Allele origin: germline.

Eurofins Ntd Llc (ga)
Classification: Benign. Last evaluated: 2017-11-14. Review status: criteria provided, single submitter. Criteria: EGL Classification Definitions 2015. Collection method: clinical testing. Allele origin: germline. Observed: 6 variant alleles, 6 heterozygotes.

Ambry Genetics
Classification: Benign for Cystic fibrosis. Last evaluated: 2014-12-01. Review status: criteria provided, single submitter. Criteria: Ambry Variant Classification Scheme 2023. Collection method: clinical testing. Allele origin: germline.

PreventionGenetics, part of Exact Sciences
Classification: Benign. Review status: criteria provided, single submitter. Criteria: ACMG Guidelines, 2015. Collection method: clinical testing. Allele origin: germline.

Genome Diagnostics Laboratory, The Hospital for Sick Children
Classification: Likely benign for CFTR-related disorders. Last evaluated: 2021-11-09. Review status: no assertion criteria provided. Collection method: clinical testing. Allele origin: germline. Not counted in ClinVar's aggregate classification.

Molecular Genetics Laboratory, BC Children's and BC Women's Hospitals
Classification: Likely benign for Cystic Fibrosis. Last evaluated: 2019-04-09. Review status: no assertion criteria provided. Criteria: ACMG Guidelines, 2015. Collection method: clinical testing. Allele origin: germline. Affected: yes. Not counted in ClinVar's aggregate classification.

Natera, Inc.
Classification: Benign for CFTR-related disorders. Last evaluated: 2017-06-13. Review status: no assertion criteria provided. Collection method: clinical testing. Allele origin: germline. Not counted in ClinVar's aggregate classification.

Clinical Genetics DNA and cytogenetics Diagnostics Lab, Erasmus MC, Erasmus Medical Center
Classification: Benign. Review status: no assertion criteria provided. Collection method: clinical testing. Allele origin: germline. Affected: yes. Study: VKGL Data-share Consensus. Not counted in ClinVar's aggregate classification.

Genome Diagnostics Laboratory, University Medical Center Utrecht
Classification: Benign. Review status: no assertion criteria provided. Collection method: clinical testing. Allele origin: germline. Affected: yes. Study: VKGL Data-share Consensus. Not counted in ClinVar's aggregate classification.

Joint Genome Diagnostic Labs from Nijmegen and Maastricht, Radboudumc and MUMC+
Classification: Benign. Review status: no assertion criteria provided. Collection method: clinical testing. Allele origin: germline. Affected: yes. Study: VKGL Data-share Consensus. Not counted in ClinVar's aggregate classification.